The following is an entry in ClinVar:

ClinVar aggregate classification (germline): Uncertain significance (1 of 4 stars; one submission).

Allele frequency attached by ClinVar (database versions not stated): gnomAD exomes below 0.00001; TOPMed 0.00001; gnomAD 0.00002.

Submission:

Labcorp Genetics (formerly Invitae), Labcorp
Classification: Uncertain significance. Last evaluated: 2025-07-30. Review status: criteria provided, single submitter. Criteria: Invitae Variant Classification Sherloc (09022015). Collection method: clinical testing. Allele origin: germline.
Comment: This sequence change creates a premature translational stop signal (p.Ala95Tyrfs*7) in the IFT88 gene. It is expected to result in an absent or disrupted protein product. However, the current clinical and genetic evidence is not sufficient to establish whether loss-of-function variants in IFT88 cause disease. The frequency data for this variant in the population databases is considered unreliable, as metrics indicate poor data quality at this position in the gnomAD database. This variant has not been reported in the literature in individuals affected with IFT88-related conditions. ClinVar contains an entry for this variant (Variation ID: 1913459). In summary, the available evidence is currently insufficient to determine the role of this variant in disease. Therefore, it has been classified as a Variant of Uncertain Significance.

NM_006531.5(IFT88):c.252_253del (p.Ala86fs)

Gene: IFT88 (intraflagellar transport 88; plus strand). Cytogenetic location: 13q12.11.
Variant type: Deletion.
Coding change: c.252_253del on transcript NM_006531.5 (MANE Select); coding-DNA positions 252 to 253, 2 bases deleted (AG; older notation c.252_253delAG).
Protein change: p.Ala86fs; shifts the reading frame from alanine 86.
Molecular consequence: frameshift variant. On other transcripts: 5 prime UTR variant (1), non-coding transcript variant (5).
Genome position (GRCh38, 1-based): chr13:20,591,008-20,591,009, AG deleted. VCF-style (leftmost placement, unchanged base first): chr13-20591007-CAG-C. GRCh37 (hg19) VCF-style: chr13-21165146-CAG-C.
Other names: c.195_196del, p.Ala67fs (NM_001318491.2, NM_001353573.2, NM_001353574.2 and 1 more transcripts); c.279_280del, p.Ala95fs (NM_001318493.2, NM_001353565.2, NM_001353566.2 and 6 more transcripts); c.252_253del, p.Ala86fs (NM_001353568.2, NM_001353571.2, NM_001353572.2 and 1 more transcripts); c.-312_-311del (NM_001353579.2); short protein forms A67fs, A86fs, A95fs.
Identifiers: ClinVar variation 1913459 (VCV001913459.5), dbSNP rs1373126554, ClinGen allele CA482859984.